The following is an entry in ClinVar:

NM_000484.4(APP):c.1090+1G>A

Gene: APP (amyloid beta precursor protein; minus strand). Cytogenetic location: 21q21.3.
Variant type: single nucleotide variant.
Coding change: c.1090+1G>A on transcript NM_000484.4 (MANE Select); the canonical splice donor site of the intron after coding-DNA position 1090, G replaced by A.
Molecular consequence: splice donor variant. On other transcripts: intron variant (7).
Genome position (GRCh38, 1-based): chr21:25,997,359, C>T on the plus strand (G>A on the coding strand, the complement: APP is on the minus strand). VCF-style: chr21-25997359-C-T. GRCh37 (hg19) VCF-style: chr21-27369674-C-T.
Other names: c.761-14882G>A (NM_001136131.3); c.698-14882G>A (NM_001136129.3); c.922+1G>A (NM_001136130.3, NM_001385253.1); c.866-14882G>A (NM_001204303.2, NM_201414.3); c.1033+2656G>A (NM_001204302.2, NM_201413.3); c.1090+1G>A (NM_001204301.2); c.1018+2656G>A (NM_001136016.3).
Identifiers: ClinVar variation 3375218 (VCV003375218.1).

ClinVar aggregate classification (germline): Uncertain significance (1 of 4 stars; one submission).

gnomAD v4.1: 105 of 1,613,442 alleles (0.0065%); highest among the groups gnomAD compares: East Asian, 0.036%; no homozygotes.

Submission:

Women's Health and Genetics/Laboratory Corporation of America, LabCorp
Classification: Uncertain significance. Last evaluated: 2024-09-25. Review status: criteria provided, single submitter. Criteria: LabCorp Variant Classification Summary - May 2015. Collection method: clinical testing. Allele origin: germline.
Comment: Variant summary: APP c.1090+1G>A is located in a canonical splice-site and is predicted to affect mRNA splicing resulting in a significantly altered protein due to either exon skipping, shortening, or inclusion of intronic material. Variants that disrupt the consensus splice site are a relatively common cause of aberrant splicing, however current evidence is not sufficient to establish loss of function as a mechanism for disease. Several computational tools predict a significant impact on normal splicing: Four predict the variant abolishes a 5' splicing donor site. However, these predictions have yet to be confirmed by functional studies. The variant allele was found at a frequency of 5.6e-05 in 251356 control chromosomes. This frequency is not significantly higher than estimated for a pathogenic variant in APP causing Cerebral Amyloid Angiopathy, APP-Related, allowing no conclusion about variant significance. To our knowledge, no occurrence of c.1090+1G>A in individuals affected with Cerebral Amyloid Angiopathy, APP-Related and no experimental evidence demonstrating its impact on protein function have been reported. No submitters have cited clinical-significance assessments for this variant to ClinVar. Based on the evidence outlined above, the variant was classified as uncertain significance.